The following is an entry in ClinVar:

ClinVar aggregate classification (germline): Uncertain significance (1 of 4 stars; one submission).

Conditions:
Congenital myotonia, autosomal dominant form (THD). Also called: THOMSEN DISEASE; Myotonia congenita autosomal dominant. Identifiers: Orphanet 614, MedGen C2936781, MONDO:0008055, OMIM 160800.
Congenital myotonia, autosomal recessive form. Also called: Becker Generalized Myotonia; myotonia congenita, autosomal recessive; BECKER DISEASE. Identifiers: Orphanet 614, MedGen C0751360, MONDO:0009715, OMIM 255700.

Submission:

Labcorp Genetics (formerly Invitae), Labcorp
Classification: Uncertain significance for Congenital myotonia, autosomal recessive form; Congenital myotonia, autosomal dominant form. Last evaluated: 2019-06-07. Review status: criteria provided, single submitter. Criteria: Invitae Variant Classification Sherloc (09022015). Collection method: clinical testing. Allele origin: germline.
Comment: This variant is not present in population databases (ExAC no frequency). This sequence change replaces glycine with glutamic acid at codon 499 of the CLCN1 protein (p.Gly499Glu). The glycine residue is highly conserved and there is a moderate physicochemical difference between glycine and glutamic acid. This variant has not been reported in the literature in individuals with CLCN1-related conditions. In summary, the available evidence is currently insufficient to determine the role of this variant in disease. Therefore, it has been classified as a Variant of Uncertain Significance. This variant disrupts the p.Gly499 amino acid residue in CLCN1. Other variant(s) that disrupt this residue have been observed in individuals with CLCN1-related conditions (PMID: 10644771), which suggests that this may be a clinically significant amino acid residue. This variant has been reported to affect CLCN1 protein function (PMID: 10644771).

Literature cited by the submitters: PubMed 10644771.

NM_000083.3(CLCN1):c.1496G>A (p.Gly499Glu)

Gene: CLCN1 (chloride voltage-gated channel 1; plus strand). Cytogenetic location: 7q34.
Variant type: single nucleotide variant.
Coding change: c.1496G>A on transcript NM_000083.3 (MANE Select); coding-DNA position 1496, G replaced by A.
Protein change: p.Gly499Glu; replaces glycine 499 with glutamic acid.
Molecular consequence: missense variant. On other transcripts: non-coding transcript variant (1).
Genome position (GRCh38, 1-based): chr7:143,339,535, G>A. VCF-style: chr7-143339535-G-A. GRCh37 (hg19) VCF-style: chr7-143036628-G-A.
Other names: short protein forms G499E.
Identifiers: ClinVar variation 935241 (VCV000935241.9), dbSNP rs1803022284, ClinGen allele CA369645609.